The following is an entry in ClinVar:

ClinVar aggregate classification (germline): Likely benign. Review status: criteria provided, multiple submitters, no conflicts (2 of 4 stars). 2 submissions from 2 submitters: Likely benign (2). Last evaluated 2026-08-01.

Conditions:
FMN2-related disorder. Also called: FMN2-related condition.

Allele frequency attached by ClinVar (database versions not stated): gnomAD 0.00029.

Submissions (2):

CeGaT Center for Human Genetics Tuebingen
Classification: Likely benign. Last evaluated: 2026-08-01. Review status: criteria provided, single submitter. Criteria: CeGaT Center For Human Genetics Tuebingen Variant Classification Criteria Version 2. Collection method: clinical testing. Allele origin: germline. Affected: yes. Observed: 8 variant alleles.
Comment: FMN2: BP4, BP7

PreventionGenetics, part of Exact Sciences
Classification: Likely benign for FMN2-related condition. Last evaluated: 2020-02-18. Review status: criteria provided, single submitter. Criteria: ACMG Guidelines, 2015. Collection method: clinical testing. Allele origin: germline.
Comment: This variant is classified as likely benign based on ACMG/AMP sequence variant interpretation guidelines (Richards et al. 2015 PMID: 25741868, with internal and published modifications).

NM_020066.5(FMN2):c.3033T>G (p.Pro1011=)

Gene: FMN2 (formin 2; plus strand). Cytogenetic location: 1q43.
Variant type: single nucleotide variant.
Coding change: c.3033T>G on transcript NM_020066.5 (MANE Select); coding-DNA position 3033, T replaced by G.
Protein change: p.Pro1011=; no amino-acid change (proline 1011 retained).
Molecular consequence: synonymous variant. On other transcripts: intron variant (1).
Genome position (GRCh38, 1-based): chr1:240,207,845, T>G. VCF-style: chr1-240207845-T-G. GRCh37 (hg19) VCF-style: chr1-240371145-T-G.
Other names: c.3045T>G, p.Pro1015= (NM_001305424.2); c.1986+19583T>G (NM_001348094.2); c.3033T>G (NM_020066.4).
Identifiers: ClinVar variation 2640155 (VCV002640155.25), dbSNP rs71535326, ClinGen allele CA1476998.